The following is an entry in ClinVar:

ClinVar aggregate classification (germline): Uncertain significance. Review status: criteria provided, multiple submitters, no conflicts (2 of 4 stars). 2 submissions from 2 submitters: Uncertain significance (2). Last evaluated 2025-06-15.

Conditions:
Bethlem myopathy 1A. Also called: MYOPATHY, BENIGN CONGENITAL, WITH CONTRACTURES; Bethlem myopathy 1; Bethlem Muscular Dystrophy. Identifiers: Orphanet 610, MedGen CN029274, MONDO:0024530, OMIM 158810.

Allele frequency attached by ClinVar (database versions not stated): gnomAD 0.00001; TOPMed 0.00002.
gnomAD v4.1: 4 of 1,614,010 alleles (0.00025%); highest among the groups gnomAD compares: African/African-American, 0.0027%; no homozygotes.

Submissions (2):

Labcorp Genetics (formerly Invitae), Labcorp
Classification: Uncertain significance for Bethlem myopathy 1A. Last evaluated: 2025-06-15. Review status: criteria provided, single submitter. Criteria: Invitae Variant Classification Sherloc (09022015). Collection method: clinical testing. Allele origin: germline.
Comment: This sequence change replaces aspartic acid, which is acidic and polar, with asparagine, which is neutral and polar, at codon 1579 of the COL6A3 protein (p.Asp1579Asn). This variant is present in population databases (no rsID available, gnomAD 0.007%). This variant has not been reported in the literature in individuals affected with COL6A3-related conditions. ClinVar contains an entry for this variant (Variation ID: 2688849). Invitae Evidence Modeling of protein sequence and biophysical properties (such as structural, functional, and spatial information, amino acid conservation, physicochemical variation, residue mobility, and thermodynamic stability) indicates that this missense variant is not expected to disrupt COL6A3 protein function with a negative predictive value of 80%. In summary, the available evidence is currently insufficient to determine the role of this variant in disease. Therefore, it has been classified as a Variant of Uncertain Significance.

Revvity Omics, Revvity
Classification: Uncertain significance. Last evaluated: 2023-03-28. Review status: criteria provided, single submitter. Criteria: ACMG Guidelines, 2015. Collection method: clinical testing. Allele origin: germline.

NM_004369.4(COL6A3):c.4735G>A (p.Asp1579Asn)

Gene: COL6A3 (collagen type VI alpha 3 chain; minus strand). Cytogenetic location: 2q37.3.
Variant type: single nucleotide variant.
Coding change: c.4735G>A on transcript NM_004369.4 (MANE Select); coding-DNA position 4735, G replaced by A.
Protein change: p.Asp1579Asn; replaces aspartic acid 1579 with asparagine.
Molecular consequence: missense variant.
Genome position (GRCh38, 1-based): chr2:237,368,728, C>T on the plus strand (G>A on the coding strand, the complement: COL6A3 is on the minus strand). VCF-style: chr2-237368728-C-T. GRCh37 (hg19) VCF-style: chr2-238277371-C-T.
Other names: c.2914G>A, p.Asp972Asn (NM_057166.5); c.4117G>A, p.Asp1373Asn (NM_057167.4); short protein forms D1373N, D1579N, D972N.
Identifiers: ClinVar variation 2688849 (VCV002688849.5), dbSNP rs1164189369, ClinGen allele CA351192265.